The following is an entry in ClinVar:

NM_001458.5(FLNC):c.198C>A (p.Asp66Glu)

Gene: FLNC (filamin C; plus strand). Cytogenetic location: 7q32.1.
Variant type: single nucleotide variant.
Coding change: c.198C>A on transcript NM_001458.5 (MANE Select); coding-DNA position 198, C replaced by A.
Protein change: p.Asp66Glu; replaces aspartic acid 66 with glutamic acid.
Molecular consequence: missense variant.
Genome position (GRCh38, 1-based): chr7:128,830,835, C>A. VCF-style: chr7-128830835-C-A. GRCh37 (hg19) VCF-style: chr7-128470889-C-A.
Other names: c.198C>A, p.Asp66Glu (NM_001127487.2); short protein forms D66E.
Identifiers: ClinVar variation 3752377 (VCV003752377.2).

ClinVar aggregate classification (germline): Uncertain significance (1 of 4 stars; one submission).

Conditions:
Distal myopathy with posterior leg and anterior hand involvement. Also called: WILLIAMS DISTAL MYOPATHY. Identifiers: Orphanet 63273, MedGen C3279722, MONDO:0013550, OMIM 614065.
Hypertrophic cardiomyopathy 26. Also called: Cardiomyopathy, familial hypertrophic, 26. Identifiers: Orphanet 75249, MedGen C4310749, MONDO:0014883, OMIM 617047.
Myofibrillar myopathy 5. Also called: Filaminopathy (type); FILAMINOPATHY, AUTOSOMAL DOMINANT. Identifiers: Orphanet 171445, MedGen C1836050, MONDO:0012289, OMIM 609524.

Submission:

Labcorp Genetics (formerly Invitae), Labcorp
Classification: Uncertain significance for Distal myopathy with posterior leg and anterior hand involvement; Myofibrillar myopathy 5; Hypertrophic cardiomyopathy 26. Last evaluated: 2024-05-19. Review status: criteria provided, single submitter. Criteria: Invitae Variant Classification Sherloc (09022015). Collection method: clinical testing. Allele origin: germline.
Comment: This sequence change replaces aspartic acid, which is acidic and polar, with glutamic acid, which is acidic and polar, at codon 66 of the FLNC protein (p.Asp66Glu). This variant is not present in population databases (gnomAD no frequency). This variant has not been reported in the literature in individuals affected with FLNC-related conditions. Advanced modeling of protein sequence and biophysical properties (such as structural, functional, and spatial information, amino acid conservation, physicochemical variation, residue mobility, and thermodynamic stability) has been performed at Invitae for this missense variant, however the output from this modeling did not meet the statistical confidence thresholds required to predict the impact of this variant on FLNC protein function. In summary, the available evidence is currently insufficient to determine the role of this variant in disease. Therefore, it has been classified as a Variant of Uncertain Significance.